The following is an entry in ClinVar:

ClinVar aggregate classification (germline): Uncertain significance. Review status: criteria provided, multiple submitters, no conflicts (2 of 4 stars). 2 submissions from 2 submitters: Uncertain significance (2). Last evaluated 2023-03-14.

Allele frequency attached by ClinVar (database versions not stated): ExAC 0.00001; gnomAD exomes 0.00002; gnomAD 0.00003 and 0.00004; TOPMed 0.00005.
gnomAD v4.1: 16 of 1,613,472 alleles (0.00099%); highest among the groups gnomAD compares: African/African-American, 0.019%; no homozygotes.

Submissions (2):

Ambry Genetics
Classification: Uncertain significance. Last evaluated: 2023-03-14. Review status: criteria provided, single submitter. Criteria: Ambry Variant Classification Scheme 2023. Collection method: clinical testing. Allele origin: germline.

Labcorp Genetics (formerly Invitae), Labcorp
Classification: Uncertain significance. Last evaluated: 2022-02-09. Review status: criteria provided, single submitter. Criteria: Invitae Variant Classification Sherloc (09022015). Collection method: clinical testing. Allele origin: germline.
Comment: This sequence change replaces isoleucine with methionine at codon 597 of the EGF protein (p.Ile597Met). The isoleucine residue is moderately conserved and there is a small physicochemical difference between isoleucine and methionine. This variant is present in population databases (rs771786517, gnomAD 0.03%). This variant has not been reported in the literature in individuals affected with EGF-related conditions. Algorithms developed to predict the effect of missense changes on protein structure and function are either unavailable or do not agree on the potential impact of this missense change (SIFT: "Not Available"; PolyPhen-2: "Benign"; Align-GVGD: "Not Available"). In summary, the available evidence is currently insufficient to determine the role of this variant in disease. Therefore, it has been classified as a Variant of Uncertain Significance.

NM_001963.6(EGF):c.1791C>G (p.Ile597Met)

Gene: EGF (epidermal growth factor; plus strand). Cytogenetic location: 4q25.
Variant type: single nucleotide variant.
Coding change: c.1791C>G on transcript NM_001963.6 (MANE Select); coding-DNA position 1791, C replaced by G.
Protein change: p.Ile597Met; replaces isoleucine 597 with methionine.
Molecular consequence: missense variant.
Genome position (GRCh38, 1-based): chr4:109,974,769, C>G. VCF-style: chr4-109974769-C-G. GRCh37 (hg19) VCF-style: chr4-110895925-C-G.
Other names: c.1791C>G, p.Ile597Met (NM_001178130.3); c.1665C>G, p.Ile555Met (NM_001178131.3, NM_001357021.2); c.1791C>G (NM_001963.4); short protein forms I597M, I555M.
Identifiers: ClinVar variation 1493277 (VCV001493277.7), dbSNP rs771786517, ClinGen allele CA3043794.
Genomic context (GRCh38, chr4:109,974,769, plus strand): 5'-TCTGATTGGAAGGAGTGATTTAAATGGGAAACGTTCCAAAATAATCACTAAGGAGAACAT[C>G]TCTCAACCACGAGGAATTGCTGTTCATCCAATGGCCAAGTAGGTATTTGTAAAAATAAGG-3'
Protein context (NP_001954.2, residues 587-607): KRSKIITKEN[Ile597Met]SQPRGIAVHP